The following is an entry in ClinVar:

NM_000448.3(RAG1):c.253C>T (p.Pro85Ser)

Gene: RAG1 (recombination activating 1; plus strand). Cytogenetic location: 11p12.
Variant type: single nucleotide variant.
Coding change: c.253C>T on transcript NM_000448.3 (MANE Select); coding-DNA position 253, C replaced by T.
Protein change: p.Pro85Ser; replaces proline 85 with serine.
Molecular consequence: missense variant.
Genome position (GRCh38, 1-based): chr11:36,573,557, C>T. VCF-style: chr11-36573557-C-T. GRCh37 (hg19) VCF-style: chr11-36595107-C-T.
Other names: c.253C>T, p.Pro85Ser (NM_001377277.1, NM_001377278.1, NM_001377279.1 and 1 more transcripts); short protein forms P85S.
Identifiers: ClinVar variation 1371477 (VCV001371477.6), dbSNP rs754321019, ClinGen allele CA380146154.

ClinVar aggregate classification (germline): Uncertain significance (1 of 4 stars; one submission).

Conditions:
Severe combined immunodeficiency, autosomal recessive, T cell-negative, B cell-negative, NK cell-positive. Also called: SCID, AR, T-cell negative, B-cell negative, NK cell-positive; SCID, T CELL-NEGATIVE, B CELL-NEGATIVE, NK CELL-POSITIVE; Severe combined immunodeficiency due to complete RAG1/2 deficiency. Identifiers: Orphanet 331206, MedGen C1832322, MONDO:0011086, OMIM 601457.
Combined immunodeficiency with skin granulomas. Identifiers: Orphanet 157949, MedGen C2673536, MONDO:0009306, OMIM 233650.

Submission:

Labcorp Genetics (formerly Invitae), Labcorp
Classification: Uncertain significance for Combined immunodeficiency with skin granulomas; Severe combined immunodeficiency, autosomal recessive, T cell-negative, B cell-negative, NK cell-positive. Last evaluated: 2025-07-28. Review status: criteria provided, single submitter. Criteria: Invitae Variant Classification Sherloc (09022015). Collection method: clinical testing. Allele origin: germline.
Comment: This sequence change replaces proline, which is neutral and non-polar, with serine, which is neutral and polar, at codon 85 of the RAG1 protein (p.Pro85Ser). This variant is not present in population databases (gnomAD no frequency). This variant has not been reported in the literature in individuals affected with RAG1-related conditions. ClinVar contains an entry for this variant (Variation ID: 1371477). Invitae Evidence Modeling of protein sequence and biophysical properties (such as structural, functional, and spatial information, amino acid conservation, physicochemical variation, residue mobility, and thermodynamic stability) indicates that this missense variant is not expected to disrupt RAG1 protein function with a negative predictive value of 80%. In summary, the available evidence is currently insufficient to determine the role of this variant in disease. Therefore, it has been classified as a Variant of Uncertain Significance.